The following is an entry in ClinVar:

ClinVar aggregate classification (germline): Uncertain significance (1 of 4 stars; one submission).

Submission:

Labcorp Genetics (formerly Invitae), Labcorp
Classification: Uncertain significance. Last evaluated: 2025-07-08. Review status: criteria provided, single submitter. Criteria: Invitae Variant Classification Sherloc (09022015). Collection method: clinical testing. Allele origin: germline.
Comment: This sequence change affects an acceptor splice site in intron 15 of the POLE2 gene. It is expected to disrupt RNA splicing. Variants that disrupt the donor or acceptor splice site typically lead to a loss of protein function (PMID: 16199547), however the current clinical and genetic evidence is not sufficient to establish whether loss-of-function variants in POLE2 cause disease. This variant is not present in population databases (gnomAD no frequency). This variant has not been reported in the literature in individuals affected with POLE2-related conditions. Algorithms developed to predict the effect of sequence changes on RNA splicing suggest that this variant may disrupt the consensus splice site. In summary, the available evidence is currently insufficient to determine the role of this variant in disease. Therefore, it has been classified as a Variant of Uncertain Significance.

Literature cited by the submitters: PubMed 16199547.

NM_002692.4(POLE2):c.1212-2A>G

Gene: POLE2 (DNA polymerase epsilon 2, accessory subunit; minus strand). Cytogenetic location: 14q21.3.
Variant type: single nucleotide variant.
Coding change: c.1212-2A>G on transcript NM_002692.4 (MANE Select); the canonical splice acceptor site of the intron before coding-DNA position 1212, A replaced by G.
Molecular consequence: splice acceptor variant.
Genome position (GRCh38, 1-based): chr14:49,651,379, T>C on the plus strand (A>G on the coding strand, the complement: POLE2 is on the minus strand). VCF-style: chr14-49651379-T-C. GRCh37 (hg19) VCF-style: chr14-50118097-T-C.
Other names: c.1134-2A>G (NM_001197330.2); c.1209-2A>G (NM_001348384.2); c.981-2A>G (NM_001348385.2); c.1212-2A>G (NM_001197331.3).
Identifiers: ClinVar variation 4695456 (VCV004695456.1).